The following is an entry in ClinVar:

ClinVar aggregate classification (germline): Pathogenic (1 of 4 stars; one submission).

Conditions:
Intellectual developmental disorder, autosomal dominant 39. Also called: Mental retardation, autosomal dominant 39; Intellectual disability, autosomal dominant 39. Identifiers: MedGen C4225296, MONDO:0014678, OMIM 616521.

Submission:

Women's Health and Genetics/Laboratory Corporation of America, LabCorp
Classification: Pathogenic for Intellectual developmental disorder, autosomal dominant 39. Last evaluated: 2023-10-18. Review status: criteria provided, single submitter. Criteria: LabCorp Variant Classification Summary - May 2015. Collection method: clinical testing. Allele origin: germline.
Comment: Variant summary: MYT1L c.165T>A (p.Cys55X) results in a premature termination codon, predicted to cause a truncation of the encoded protein or absence of the protein due to nonsense mediated decay, which are commonly known mechanisms for disease. Variants downstream of this position have been classified as pathogenic in ClinVar. The variant was absent in 184296 control chromosomes (gnomAD). To our knowledge, no occurrence of c.165T>A in individuals affected with Mental Retardation, Autosomal Dominant 39 and no experimental evidence demonstrating its impact on protein function have been reported. No submitters have cited clinical-significance assessments for this variant to ClinVar after 2014. Based on the evidence outlined above, the variant was classified as pathogenic.

NM_001303052.2(MYT1L):c.165T>A (p.Cys55Ter)

Gene: MYT1L (myelin transcription factor 1 like; minus strand). Cytogenetic location: 2p25.3.
Variant type: single nucleotide variant.
Coding change: c.165T>A on transcript NM_001303052.2 (MANE Select); coding-DNA position 165, T replaced by A.
Protein change: p.Cys55Ter; replaces cysteine 55 with a stop codon.
Molecular consequence: nonsense.
Genome position (GRCh38, 1-based): chr2:1,943,322, A>T on the plus strand (T>A on the coding strand, the complement: MYT1L is on the minus strand). VCF-style: chr2-1943322-A-T. GRCh37 (hg19) VCF-style: chr2-1947094-A-T.
Other names: c.165T>A, p.Cys55Ter (NM_001329844.2, NM_001329845.1, NM_001329846.3 and 6 more transcripts); short protein forms C55*.
Identifiers: ClinVar variation 2637811 (VCV002637811.1), dbSNP rs2551029666, ClinGen allele CA345714235.
Genomic context (GRCh38, chr2:1,943,322, plus strand): 5'-TCGTTTAGGAGCAGGTTCCTGGGGCTGTTTATCTTGTGTTTTTCTTTTTTTCGCCAAGGG[A>T]CAACCATATACACTAATTAAAAAAATAGAGAAGGCAGGGGAGAGAGAGAAAAAAAATATC-3'